The following is an entry in ClinVar:

NM_000077.5(CDKN2A):c.168C>A (p.Ser56Arg)

Gene: CDKN2A (cyclin dependent kinase inhibitor 2A; minus strand). Cytogenetic location: 9p21.3.
Variant type: single nucleotide variant.
Coding change: c.168C>A on transcript NM_000077.5; coding-DNA position 168, C replaced by A.
Protein change: p.Ser56Arg; replaces serine 56 with arginine.
Molecular consequence: missense variant (on NM_000077.6). On other transcripts: 3 prime UTR variant (1).
Genome position (GRCh38, 1-based): chr9:21,971,191, G>T on the plus strand (C>A on the coding strand, the complement: CDKN2A is on the minus strand). VCF-style: chr9-21971191-G-T. GRCh37 (hg19) VCF-style: chr9-21971190-G-T.
Other names: c.168C>A, p.Ser56Arg (NM_000077.6, NM_001195132.2); c.15C>A, p.Ser5Arg (NM_001363763.2); c.211C>A, p.Arg71Ser (NM_058195.4); c.*91C>A (NM_058197.5); short protein forms R71S, S56R, S5R.
Identifiers: ClinVar variation 236981 (VCV000236981.19), dbSNP rs771138120, ClinGen allele CA5012215.
Genomic context (GRCh38, chr9:21,971,191, plus strand): 5'-GGCGGGGTCGGCGCAGTTGGGCTCCGCGCCGTGGAGCAGCAGCAGCTCCGCCACTCGGGC[G>T]CTGCCCATCATCATGACCTGCCAGAGAGAACAGAATGGTCAGAGCCAGGGTGGGGGCCGG-3'
Protein context (NP_000068.1, residues 46-66): RRPIQVMMMG[Ser56Arg]ARVAELLLLH

ClinVar aggregate classification (germline): Uncertain significance. Review status: criteria provided, multiple submitters, no conflicts (2 of 4 stars). 5 submissions from 5 submitters: Uncertain significance (5). Last evaluated 2024-06-03.

Conditions:
Familial melanoma. Also called: Hereditary melanoma; Hereditary cutaneous melanoma. Identifiers: Orphanet 618, MedGen C1512419, MONDO:0018961.
Melanoma and neural system tumor syndrome. Also called: MELANOMA-ASTROCYTOMA SYNDROME. Identifiers: Orphanet 252206, MedGen C1835042, MONDO:0007967, OMIM 155755.
Hereditary cancer-predisposing syndrome. Also called: Neoplastic Syndromes, Hereditary; Hereditary Cancer Syndrome; Tumor predisposition; Hereditary neoplastic syndrome. Identifiers: Orphanet 140162, MedGen C0027672, MeSH D009386, MONDO:0015356.

Allele frequency attached by ClinVar (database versions not stated): ExAC 0.00001.

Submissions (5):

Ambry Genetics
Classification: Uncertain significance for Hereditary cancer-predisposing syndrome. Last evaluated: 2024-06-03. Review status: criteria provided, single submitter. Criteria: Ambry Variant Classification Scheme 2023. Collection method: clinical testing. Allele origin: germline.
Comment: The p.S56R variant (also known as c.168C>A), located in coding exon 2 of the CDKN2A gene, results from a C to A substitution at nucleotide position 168. The serine at codon 56 is replaced by arginine, an amino acid with dissimilar properties. This variant was detected in a cohort of 587 patients with either multiple or single primary melanomas who were sequenced for CDKN2A alterations (Bruno W et al. J Am Acad Dermatol, 2016 Feb;74:325-32). This variant was also detected in a cohort of 85 male breast cancer patients (Al Saati A et al. Int J Mol Sci, 2023 Sep;24). This amino acid position is not well conserved in available vertebrate species. In addition, the in silico prediction for this alteration is inconclusive. Based on the available evidence, the clinical significance of this variant remains unclear.

Labcorp Genetics (formerly Invitae), Labcorp
Classification: Uncertain significance for Familial melanoma. Last evaluated: 2024-05-06. Review status: criteria provided, single submitter. Criteria: Invitae Variant Classification Sherloc (09022015). Collection method: clinical testing. Allele origin: germline.
Comment: The CDKN2A gene encodes two different proteins, p16INK4a and p14ARF, which are translated from alternative transcripts with different open reading frames. Both transcripts have been analyzed. We report either the variant with the higher classification or default to the CDKN2A (p16INK4a) variant. This report therefore includes the details for the CDKN2A (p16INK4a) variant. This sequence change replaces serine, which is neutral and polar, with arginine, which is basic and polar, at codon 56 of the CDKN2A (p16INK4a) protein (p.Ser56Arg). The frequency data for this variant in the population databases is considered unreliable, as metrics indicate poor data quality at this position in the gnomAD database. This missense change has been observed in individual(s) with multiple primary melanomas (PMID: 2677576). This variant is also known as c.211C>A (p.Arg71Ser) in the CDKN2A (p14ARF) transcript. ClinVar contains an entry for this variant (Variation ID: 236981). An algorithm developed to predict the effect of missense changes on protein structure and function (PolyPhen-2) suggests that this variant is likely to be disruptive. This variant disrupts the p.Ser56 amino acid residue in CDKN2A (p16INK4a). Other variant(s) that disrupt this residue have been determined to be pathogenic (PMID: 9425228, 9516223, 12072543, 15150307, 15235029, 17492760, 20340136, 21462282, 22841127). This suggests that this residue is clinically significant, and that variants that disrupt this residue are likely to be disease-causing. In summary, the available evidence is currently insufficient to determine the role of this variant in disease. Therefore, it has been classified as a Variant of Uncertain Significance.

Baylor Genetics
Classification: Uncertain significance for Melanoma and neural system tumor syndrome. Last evaluated: 2023-10-03. Review status: criteria provided, single submitter. Criteria: ACMG Guidelines, 2015. Collection method: clinical testing. Allele origin: unknown.

GeneDx
Classification: Uncertain significance. Last evaluated: 2022-01-27. Review status: criteria provided, single submitter. Criteria: GeneDx Variant Classification Process June 2021. Collection method: clinical testing. Allele origin: germline. Affected: yes.
Comment: Not observed at significant frequency in large population cohorts (gnomAD); In silico analysis supports that this missense variant has a deleterious effect on protein structure/function; Identified in a patient with multiple primary melanomas (Bruno 2016); This variant is associated with the following publications: (PMID: 26775776)

Color Diagnostics, LLC DBA Color Health
Classification: Uncertain significance for Hereditary cancer-predisposing syndrome. Last evaluated: 2018-09-02. Review status: criteria provided, single submitter. Criteria: ACMG Guidelines, 2015. Collection method: clinical testing. Allele origin: germline.

Literature cited by the submitters: PubMed 26775776 (cited by Ambry Genetics); PubMed 37762649 (cited by Ambry Genetics); PubMed 2677576 (cited by Labcorp Genetics (formerly Invitae), Labcorp); PubMed 9425228 (cited by Labcorp Genetics (formerly Invitae), Labcorp); PubMed 9516223 (cited by Labcorp Genetics (formerly Invitae), Labcorp); PubMed 12072543 (cited by Labcorp Genetics (formerly Invitae), Labcorp); PubMed 15150307 (cited by Labcorp Genetics (formerly Invitae), Labcorp); PubMed 15235029 (cited by Labcorp Genetics (formerly Invitae), Labcorp); PubMed 17492760 (cited by Labcorp Genetics (formerly Invitae), Labcorp); PubMed 20340136 (cited by Labcorp Genetics (formerly Invitae), Labcorp); PubMed 21462282 (cited by Labcorp Genetics (formerly Invitae), Labcorp); PubMed 22841127 (cited by Labcorp Genetics (formerly Invitae), Labcorp).